The following is an entry in ClinVar:

ClinVar aggregate classification (germline): Uncertain significance (1 of 4 stars; one submission).

Conditions:
Candidiasis, familial, 9 (CANDF9). Identifiers: Orphanet 1334, MedGen C4225324, MONDO:0014642, OMIM 616445.

Submission:

Labcorp Genetics (formerly Invitae), Labcorp
Classification: Uncertain significance for Candidiasis, familial, 9. Last evaluated: 2025-09-03. Review status: criteria provided, single submitter. Criteria: Invitae Variant Classification Sherloc (09022015). Collection method: clinical testing. Allele origin: germline.
Comment: This sequence change replaces serine, which is neutral and polar, with proline, which is neutral and non-polar, at codon 20 of the IL17RC protein (p.Ser20Pro). This variant is not present in population databases (gnomAD no frequency). This variant has not been reported in the literature in individuals affected with IL17RC-related conditions. An algorithm developed to predict the effect of missense changes on protein structure and function outputs the following: PolyPhen-2: "Benign". The proline amino acid residue is found in multiple mammalian species, which suggests that this missense change does not adversely affect protein function. In summary, the available evidence is currently insufficient to determine the role of this variant in disease. Therefore, it has been classified as a Variant of Uncertain Significance.

NM_153460.4(IL17RC):c.58T>C (p.Ser20Pro)

Gene: IL17RC (interleukin 17 receptor C; plus strand). Cytogenetic location: 3p25.3.
Variant type: single nucleotide variant.
Coding change: c.58T>C on transcript NM_153460.4 (MANE Select); coding-DNA position 58, T replaced by C.
Protein change: p.Ser20Pro; replaces serine 20 with proline.
Molecular consequence: missense variant. On other transcripts: non-coding transcript variant (1).
Genome position (GRCh38, 1-based): chr3:9,917,373, T>C. VCF-style: chr3-9917373-T-C. GRCh37 (hg19) VCF-style: chr3-9959057-T-C.
Other names: c.58T>C, p.Ser20Pro (NM_001203263.2, NM_001203264.2, NM_001203265.2 and 6 more transcripts); short protein forms S20P.
Identifiers: ClinVar variation 4750613 (VCV004750613.1).